The following is an entry in ClinVar:

NM_003718.5(CDK13):c.1055C>T (p.Ser352Phe)

Gene: CDK13 (cyclin dependent kinase 13; plus strand). Cytogenetic location: 7p14.1.
Variant type: single nucleotide variant.
Coding change: c.1055C>T on transcript NM_003718.5 (MANE Select); coding-DNA position 1055, C replaced by T.
Protein change: p.Ser352Phe; replaces serine 352 with phenylalanine.
Molecular consequence: missense variant.
Genome position (GRCh38, 1-based): chr7:39,951,696, C>T. VCF-style: chr7-39951696-C-T. GRCh37 (hg19) VCF-style: chr7-39991295-C-T.
Other names: c.1055C>T, p.Ser352Phe (NM_031267.4); short protein forms S352F.
Identifiers: ClinVar variation 4767247 (VCV004767247.1).
Genomic context (GRCh38, chr7:39,951,696, plus strand): 5'-CTCAGAGCCTGAGGAGCCGCAAGTCCCCCAGCCCGGCAGGAGGTGGCAGCAGCCCCTATT[C>T]TCGGCGGCTGCCGCGCTCCCCGAGCCCCTACAGTCGCCGCCGCTCCCCCAGCTACAGCCG-3'
Protein context (NP_003709.3, residues 342-362): SPAGGGSSPY[Ser352Phe]RRLPRSPSPY

ClinVar aggregate classification (germline): Uncertain significance (1 of 4 stars; one submission).

gnomAD v4.1: 13 of 1,467,304 alleles (0.00089%); highest among the groups gnomAD compares: East Asian, 0.008%; no homozygotes.

Submission:

Labcorp Genetics (formerly Invitae), Labcorp
Classification: Uncertain significance. Last evaluated: 2025-05-30. Review status: criteria provided, single submitter. Criteria: Invitae Variant Classification Sherloc (09022015). Collection method: clinical testing. Allele origin: germline.
Comment: This sequence change replaces serine, which is neutral and polar, with phenylalanine, which is neutral and non-polar, at codon 352 of the CDK13 protein (p.Ser352Phe). This variant is present in population databases (rs776701426, gnomAD 0.02%). This variant has not been reported in the literature in individuals affected with CDK13-related conditions. Invitae Evidence Modeling of protein sequence and biophysical properties (such as structural, functional, and spatial information, amino acid conservation, physicochemical variation, residue mobility, and thermodynamic stability) indicates that this missense variant is not expected to disrupt CDK13 protein function with a negative predictive value of 95%. In summary, the available evidence is currently insufficient to determine the role of this variant in disease. Therefore, it has been classified as a Variant of Uncertain Significance.